The following is an entry in ClinVar:

ClinVar aggregate classification (germline): Likely pathogenic (1 of 4 stars; one submission).

Allele frequency attached by ClinVar (database versions not stated): gnomAD exomes 0.00001; TOPMed 0.00001.

Submission:

GeneDx
Classification: Likely pathogenic. Last evaluated: 2016-05-13. Review status: criteria provided, single submitter. Criteria: GeneDx Variant Classification (06012015). Collection method: clinical testing. Allele origin: germline. Affected: yes.
Comment: A variant that is likely pathogenic has been identified in the MEGF10 gene. The c.217dupA variant has not been published as a pathogenic variant, nor has it been reported as a benign variant to our knowledge. It was not observed in approximately 6,500 individuals of European and African American ancestry in the NHLBI Exome Sequencing Project, indicating it is not a common benign variant in these populations. The c.217dupA variant causes a frameshift starting with codon Arginine 73, changes this amino acid to a Lysine residue and creates a premature Stop codon at position 17 of the new reading frame, denoted p.Arg73LysfsX17. This variant is predicted to cause loss of normal protein function either through protein truncation or nonsense-mediated mRNA decay. Therefore, this variant is likely pathogenic; however, the possibility that it is benign cannot be excluded.

NM_001256545.2(MEGF10):c.217dup (p.Arg73fs)

Gene: MEGF10 (multiple EGF like domains 10; plus strand). Cytogenetic location: 5q23.2.
Variant type: Duplication.
Coding change: c.217dup on transcript NM_001256545.2 (MANE Select); coding-DNA position 217, one base duplicated (A; older notation c.217dupA).
Protein change: p.Arg73fs; shifts the reading frame from arginine 73.
Molecular consequence: frameshift variant.
Genome position (GRCh38, 1-based): chr5:127,339,220, A duplicated. VCF-style (leftmost placement, unchanged base first): chr5-127339219-C-CA. GRCh37 (hg19) VCF-style: chr5-126674911-C-CA.
Other names: c.217dup, p.Arg73fs (NM_001308119.2, NM_001308121.2, NM_032446.3); short protein forms R73fs.
Identifiers: ClinVar variation 421002 (VCV000421002.2), dbSNP rs1291487750, ClinGen allele CA16618104.
Genomic context (GRCh38, chr5:127,339,219, plus strand): 5'-TGATCAAATTTACTACACGAGCTGCACTGACATTCTAAACTGGTTTAAATGCACGCGGCA[C>CA]AGGTAATAGAAGCTCAGGCATGTTTGTGAGTTTGGCTAACTGGGAATAGATTCTAATACA-3'